The following is an entry in ClinVar:

NM_000193.4(SHH):c.731G>C (p.Arg244Pro)

Gene: SHH (sonic hedgehog signaling molecule; minus strand). Cytogenetic location: 7q36.3.
Variant type: single nucleotide variant.
Coding change: c.731G>C on transcript NM_000193.4 (MANE Select); coding-DNA position 731, G replaced by C.
Protein change: p.Arg244Pro; replaces arginine 244 with proline.
Molecular consequence: missense variant. On other transcripts: intron variant (1).
Genome position (GRCh38, 1-based): chr7:155,803,558, C>G on the plus strand (G>C on the coding strand, the complement: SHH is on the minus strand). VCF-style: chr7-155803558-C-G. GRCh37 (hg19) VCF-style: chr7-155596252-C-G.
Other names: c.301+2738G>C (NM_001310462.2); short protein forms R244P.
Identifiers: ClinVar variation 4854139 (VCV004854139.1).

ClinVar aggregate classification (germline): Uncertain significance (1 of 4 stars; one submission).

Conditions:
Holoprosencephaly 3 (HPE3). Identifiers: Orphanet 2162, MedGen C1840529, MONDO:0007733, OMIM 142945.

Submission:

3billion
Classification: Uncertain significance for Holoprosencephaly 3. Last evaluated: 2025-08-01. Review status: criteria provided, single submitter. Criteria: ACMG Guidelines, 2015. Collection method: clinical testing. Allele origin: germline. Affected: yes.
Comment: The variant is not observed in the gnomAD v4.1.0 dataset. Predicted Consequence/Location: Missense variant In silico tool predictions suggest damaging effect of the variant on gene or gene product [REVEL: 0.86 (>=0.6, sensitivity 0.68 and specificity 0.92)]. Different missense changes at the same codon have been reported as of uncertain significance (ClinVar ID: VCV003616555). Therefore, this variant is classified as VUS according to the recommendation of ACMG/AMP guideline.